The following is an entry in ClinVar:

NM_021615.5(CHST6):c.1109T>G (p.Leu370Arg)

Gene: CHST6 (carbohydrate sulfotransferase 6; minus strand). Cytogenetic location: 16q23.1.
Variant type: single nucleotide variant.
Coding change: c.1109T>G on transcript NM_021615.5 (MANE Select); coding-DNA position 1109, T replaced by G.
Protein change: p.Leu370Arg; replaces leucine 370 with arginine.
Molecular consequence: missense variant.
Genome position (GRCh38, 1-based): chr16:75,478,720, A>C on the plus strand (T>G on the coding strand, the complement: CHST6 is on the minus strand). VCF-style: chr16-75478720-A-C. GRCh37 (hg19) VCF-style: chr16-75512618-A-C.
Other names: short protein forms L370R.
Identifiers: ClinVar variation 1712626 (VCV001712626.2), dbSNP rs751712733, ClinGen allele CA8175287.
Genomic context (GRCh38, chr16:75,478,720, plus strand): 5'-GCGGTGGATGATGCCCAAGTGAAGCCGTTCAGGCCTCGTGGCAGCACCAGATCAAGGGCG[A>C]GGTTGCGCTGCTCGTCCTCAGAGTACACAGGCCGGTAGCCCAGCAGCTGCAGCGCACCAG-3'
Protein context (NP_067628.1, residues 360-380): PVYSEDEQRN[Leu370Arg]ALDLVLPRGL

ClinVar aggregate classification (germline): Uncertain significance (1 of 4 stars; one submission).

Allele frequency attached by ClinVar (database versions not stated): gnomAD 0.00001; ExAC 0.00002; gnomAD exomes 0.00002.
gnomAD v4.1: 26 of 1,613,578 alleles (0.0016%); highest among the groups gnomAD compares: South Asian, 0.029%; no homozygotes.

Submission:

GeneDx
Classification: Uncertain significance. Last evaluated: 2022-04-21. Review status: criteria provided, single submitter. Criteria: GeneDx Variant Classification Process June 2021. Collection method: clinical testing. Allele origin: germline. Affected: yes.
Comment: In silico analysis supports that this missense variant has a deleterious effect on protein structure/function; Has not been previously published as pathogenic or benign to our knowledge